The following is an entry in ClinVar:

NM_001370298.3(FGD4):c.1482G>A (p.Met494Ile)

Gene: FGD4 (FYVE, RhoGEF and PH domain containing 4; plus strand). Cytogenetic location: 12p11.21.
Variant type: single nucleotide variant.
Coding change: c.1482G>A on transcript NM_001370298.3 (MANE Select); coding-DNA position 1482, G replaced by A.
Protein change: p.Met494Ile; replaces methionine 494 with isoleucine.
Molecular consequence: missense variant.
Genome position (GRCh38, 1-based): chr12:32,608,034, G>A. VCF-style: chr12-32608034-G-A. GRCh37 (hg19) VCF-style: chr12-32760968-G-A.
Other names: p.Met357Ile; c.1326G>A, p.Met442Ile (NM_001304481.2); c.327G>A, p.Met109Ile (NM_001304483.2); c.39G>A, p.Met13Ile (NM_001304484.2); c.792G>A, p.Met264Ile (NM_001330373.2, NM_001330374.2, NM_001384130.1); c.519G>A, p.Met173Ile (NM_001370297.1); c.1482G>A, p.Met494Ile (NM_001384126.1); c.1071G>A, p.Met357Ile (NM_001384127.1, NM_001384128.1, NM_001385118.1 and 1 more transcripts); short protein forms M109I, M442I, M264I, M357I, M494I, M13I, M173I.
Identifiers: ClinVar variation 4541705 (VCV004541705.1).

ClinVar aggregate classification (germline): Uncertain significance (1 of 4 stars; one submission).

Submission:

Mayo Clinic Laboratories, Mayo Clinic
Classification: Uncertain significance. Last evaluated: 2025-08-28. Review status: criteria provided, single submitter. Criteria: ACMG Guidelines, 2015. Collection method: clinical testing. Allele origin: germline. Observed: 1 variant allele.
Comment: BP4